The following is an entry in ClinVar:

ClinVar aggregate classification (germline): Uncertain significance. Review status: criteria provided, multiple submitters, no conflicts (2 of 4 stars). 3 submissions from 3 submitters: Uncertain significance (3). Last evaluated 2025-09-23.

Allele frequency attached by ClinVar (database versions not stated): TOPMed below 0.00001.

Submissions (3):

GeneDx
Classification: Uncertain significance. Last evaluated: 2025-09-23. Review status: criteria provided, single submitter. Criteria: GeneDx Variant Classification Process June 2021. Collection method: clinical testing. Allele origin: germline. Affected: yes.
Comment: Reported in a patient with hearing loss in published literature; clinical information is limited (PMID: 33724713); Not observed at significant frequency in large population cohorts (gnomAD); In silico analysis suggests that this missense variant does not alter protein structure/function; This variant is associated with the following publications: (PMID: 33724713)

Labcorp Genetics (formerly Invitae), Labcorp
Classification: Uncertain significance. Last evaluated: 2025-03-07. Review status: criteria provided, single submitter. Criteria: Invitae Variant Classification Sherloc (09022015). Collection method: clinical testing. Allele origin: germline.
Comment: This sequence change replaces glutamic acid, which is acidic and polar, with aspartic acid, which is acidic and polar, at codon 483 of the TMC1 protein (p.Glu483Asp). This variant is not present in population databases (gnomAD no frequency). This missense change has been observed in individual(s) with deafness (PMID: 33724713). ClinVar contains an entry for this variant (Variation ID: 546163). Invitae Evidence Modeling of protein sequence and biophysical properties (such as structural, functional, and spatial information, amino acid conservation, physicochemical variation, residue mobility, and thermodynamic stability) indicates that this missense variant is not expected to disrupt TMC1 protein function with a negative predictive value of 80%. In summary, the available evidence is currently insufficient to determine the role of this variant in disease. Therefore, it has been classified as a Variant of Uncertain Significance.

Blueprint Genetics
Classification: Uncertain significance. Last evaluated: 2021-12-10. Review status: criteria provided, single submitter. Criteria: ACMG Guidelines, 2015. Collection method: clinical testing. Allele origin: germline.

Literature cited by the submitters: PubMed 33724713 (cited by Labcorp Genetics (formerly Invitae), Labcorp).

NM_138691.3(TMC1):c.1449A>C (p.Glu483Asp)

Gene: TMC1 (transmembrane channel like 1; plus strand). Cytogenetic location: 9q21.13.
Variant type: single nucleotide variant.
Coding change: c.1449A>C on transcript NM_138691.3 (MANE Select); coding-DNA position 1449, A replaced by C.
Protein change: p.Glu483Asp; replaces glutamic acid 483 with aspartic acid.
Molecular consequence: missense variant.
Genome position (GRCh38, 1-based): chr9:72,792,235, A>C. VCF-style: chr9-72792235-A-C. GRCh37 (hg19) VCF-style: chr9-75407151-A-C.
Other names: short protein forms E483D.
Identifiers: ClinVar variation 546163 (VCV000546163.8), dbSNP rs1554728060, ClinGen allele CA373507143.
Genomic context (GRCh38, chr9:72,792,235, plus strand): 5'-TCTCTTTGCTTTCTAGATTGAAGAGGAGAAGCTAGTAAAGGCCAATATTACCCTTTGGGA[A>C]GCCAATATGATCAAGGCCTACAATGCATCATTCTCTGAAAATAGCACTGGACCACCCTTT-3'
Protein context (NP_619636.2, residues 473-493): KLVKANITLW[Glu483Asp]ANMIKAYNAS